The following is an entry in ClinVar:

ClinVar aggregate classification (germline): Uncertain significance (1 of 4 stars; one submission).

Conditions:
Joubert syndrome 25 (JBTS25). Identifiers: Orphanet 475, MedGen C4084842, MONDO:0014770, OMIM 616781.

Submission:

Labcorp Genetics (formerly Invitae), Labcorp
Classification: Uncertain significance for Joubert syndrome 25. Last evaluated: 2019-06-27. Review status: criteria provided, single submitter. Criteria: Invitae Variant Classification Sherloc (09022015). Collection method: clinical testing. Allele origin: germline.
Comment: Algorithms developed to predict the effect of missense changes on protein structure and function (SIFT, PolyPhen-2, Align-GVGD) all suggest that this variant is likely to be tolerated, but these predictions have not been confirmed by published functional studies and their clinical significance is uncertain. In summary, the available evidence is currently insufficient to determine the role of this variant in disease. Therefore, it has been classified as a Variant of Uncertain Significance. This variant has not been reported in the literature in individuals with CEP104-related disease. This variant is not present in population databases (ExAC no frequency). This sequence change replaces serine with asparagine at codon 406 of the CEP104 protein (p.Ser406Asn). The serine residue is highly conserved and there is a small physicochemical difference between serine and asparagine.

NM_014704.4(CEP104):c.1217G>A (p.Ser406Asn)

Gene: CEP104 (centrosomal protein 104; minus strand). Cytogenetic location: 1p36.32.
Variant type: single nucleotide variant.
Coding change: c.1217G>A on transcript NM_014704.4 (MANE Select); coding-DNA position 1217, G replaced by A.
Protein change: p.Ser406Asn; replaces serine 406 with asparagine.
Molecular consequence: missense variant.
Genome position (GRCh38, 1-based): chr1:3,836,595, C>T on the plus strand (G>A on the coding strand, the complement: CEP104 is on the minus strand). VCF-style: chr1-3836595-C-T. GRCh37 (hg19) VCF-style: chr1-3753159-C-T.
Other names: short protein forms S406N.
Identifiers: ClinVar variation 663561 (VCV000663561.10), dbSNP rs1570811185, ClinGen allele CA338041825.